The following is an entry in ClinVar:

NM_001267550.2(TTN):c.85589_85592del (p.Lys28530fs)

Genes: TTN-AS1 (TTN antisense RNA 1; plus strand), TTN (titin; minus strand). Cytogenetic location: 2q31.2.
Variant type: Microsatellite.
Coding change: c.85589_85592del on transcript NM_001267550.2 (MANE Select); coding-DNA positions 85589 to 85592, 4 bases deleted (AATA; older notation c.85589_85592delAATA).
Protein change: p.Lys28530fs; shifts the reading frame from lysine 28530.
Molecular consequence: frameshift variant.
Genome position (GRCh38, 1-based): chr2:178,560,540-178,560,543, TATT deleted on the plus strand (AATA on the coding strand, the reverse complement: TTN is on the minus strand); deleting any 4 consecutive bases within chr2:178,560,540-178,560,547 gives the same sequence; the c. name uses the placement nearest the transcript's 3' end. VCF-style (leftmost placement, unchanged base first): chr2-178560539-ATATT-A. GRCh37 (hg19) VCF-style: chr2-179425266-ATATT-A.
Other names: c.85589_85592delAATA (NM_001267550.2); c.80666_80669del, p.Lys26889fs (NM_001256850.1); c.58394_58397del, p.Lys19465fs (NM_003319.4); c.77885_77888del, p.Lys25962fs (NM_133378.4); c.58769_58772del, p.Lys19590fs (NM_133432.3); c.58970_58973del, p.Lys19657fs (NM_133437.4); short protein forms K25962fs, K19657fs, K26889fs, K19465fs, K19590fs, K28530fs.
Identifiers: ClinVar variation 466664 (VCV000466664.10), dbSNP rs1553562793, ClinGen allele CA658657136.

ClinVar aggregate classification (germline): Likely pathogenic. Review status: criteria provided, single submitter (1 of 4 stars). 2 submissions from 1 submitter: Likely pathogenic (2). Last evaluated 2017-01-24.

Conditions:
Autosomal recessive limb-girdle muscular dystrophy type 2J (LGMDR10). Also called: Limb-girdle muscular dystrophy, type 2J; MUSCULAR DYSTROPHY, LIMB-GIRDLE, AUTOSOMAL RECESSIVE 10. Identifiers: Orphanet 140922, MedGen C1837342, MONDO:0012127, OMIM 608807.
Dilated cardiomyopathy 1G (CMD1G). Identifiers: Orphanet 154, MedGen C1858763, MONDO:0011400, OMIM 604145.

Submissions (2):

Labcorp Genetics (formerly Invitae), Labcorp
Classification: Likely pathogenic for Dilated cardiomyopathy 1G. Last evaluated: 2017-01-24. Review status: criteria provided, single submitter. Criteria: Invitae Variant Classification Sherloc (09022015). Collection method: clinical testing. Allele origin: germline.
Comment: This sequence change deletes 4 nucleotides from exon 326 of the TTN mRNA (c.85589_85592delAATA), causing a frameshift at codon 28530. This creates a premature translational stop signal (p.Lys28530Metfs*7) and is expected to result in a disrupted protein product. This variant is found in the A-band of this gene. While this particular variant has not been reported in the literature, truncating variants in the A-band of TTN are significantly overrepresented in patients with dilated cardiomyopathy and are considered to be likely pathogenic for the disease (PMID: 25589632). For these reasons, this variant has been classified as Likely Pathogenic.

Labcorp Genetics (formerly Invitae), Labcorp
Classification: Likely pathogenic for Dilated cardiomyopathy 1G; Autosomal recessive limb-girdle muscular dystrophy type 2J. Last evaluated: 2017-01-15. Review status: criteria provided, single submitter. Criteria: Invitae Variant Classification Sherloc (09022015). Collection method: clinical testing. Allele origin: germline.
Comment: For these reasons, this variant has been classified as Likely Pathogenic. This variant is found in the A-band of this gene. While this particular variant has not been reported in the literature, truncating variants in the A-band of TTN are significantly overrepresented in patients with dilated cardiomyopathy and are considered to be likely pathogenic for the disease (PMID: 25589632). This sequence change deletes 4 nucleotides from exon 326 of the TTN mRNA (c.85589_85592delAATA), causing a frameshift at codon 28530. This creates a premature translational stop signal (p.Lys28530Metfs*7) and is expected to result in a disrupted protein product.

Literature cited by the submitters: PubMed 25589632.